The following is an entry in ClinVar:

NM_001367624.2(ZNF469):c.3959del (p.Pro1320fs)

Gene: ZNF469 (zinc finger protein 469; plus strand). Cytogenetic location: 16q24.2.
Variant type: Deletion.
Coding change: c.3959del on transcript NM_001367624.2 (MANE Select); coding-DNA position 3959, one base deleted (C; older notation c.3959delC).
Protein change: p.Pro1320fs; shifts the reading frame from proline 1320.
Molecular consequence: frameshift variant.
Genome position (GRCh38, 1-based): chr16:88,431,429, C deleted; the last of 6 consecutive C bases (chr16:88,431,424-88,431,429); deleting any one gives the same sequence. VCF-style (leftmost placement, unchanged base first): chr16-88431423-AC-A. GRCh37 (hg19) VCF-style: chr16-88497831-AC-A.
Other names: short protein forms P1320fs.
Identifiers: ClinVar variation 2788413 (VCV002788413.3), dbSNP rs1906174955, ClinGen allele CA497354480.

ClinVar aggregate classification (germline): Pathogenic (1 of 4 stars; one submission).

Submission:

Labcorp Genetics (formerly Invitae), Labcorp
Classification: Pathogenic. Last evaluated: 2024-01-18. Review status: criteria provided, single submitter. Criteria: Invitae Variant Classification Sherloc (09022015). Collection method: clinical testing. Allele origin: germline.
Comment: This sequence change creates a premature translational stop signal (p.Pro1292Leufs*235) in the ZNF469 gene. While this is not anticipated to result in nonsense mediated decay, it is expected to disrupt the last 2634 amino acid(s) of the ZNF469 protein. This variant is not present in population databases (gnomAD no frequency). This variant has not been reported in the literature in individuals affected with ZNF469-related conditions. This variant disrupts a region of the ZNF469 protein in which other variant(s) (p.Pro3556Glnfs*136) have been determined to be pathogenic (PMID: 32671420). This suggests that this is a clinically significant region of the protein, and that variants that disrupt it are likely to be disease-causing. For these reasons, this variant has been classified as Pathogenic.

Literature cited by the submitters: PubMed 32671420.